The following is an entry in ClinVar:

ClinVar aggregate classification (germline): Uncertain significance (1 of 4 stars; one submission).

gnomAD v4.1: 1 of 1,613,248 alleles (0.000062%); highest among the groups gnomAD compares: Middle Eastern, 0.016%; no homozygotes.

Submission:

Labcorp Genetics (formerly Invitae), Labcorp
Classification: Uncertain significance. Last evaluated: 2020-12-28. Review status: criteria provided, single submitter. Criteria: Invitae Variant Classification Sherloc (09022015). Collection method: clinical testing. Allele origin: germline.
Comment: In summary, the available evidence is currently insufficient to determine the role of this variant in disease. Therefore, it has been classified as a Variant of Uncertain Significance. Algorithms developed to predict the effect of missense changes on protein structure and function output the following: SIFT: "Tolerated"; PolyPhen-2: "Benign"; Align-GVGD: "Class C0". The leucine amino acid residue is found in multiple mammalian species, suggesting that this missense change does not adversely affect protein function. These predictions have not been confirmed by published functional studies and their clinical significance is uncertain. This variant has not been reported in the literature in individuals with RIMS1-related conditions. This variant is not present in population databases (ExAC no frequency). This sequence change replaces isoleucine with leucine at codon 1171 of the RIMS1 protein (p.Ile1171Leu). The isoleucine residue is moderately conserved and there is a small physicochemical difference between isoleucine and leucine.

NM_014989.7(RIMS1):c.3511A>C (p.Ile1171Leu)

Gene: RIMS1 (regulating synaptic membrane exocytosis 1; plus strand). Cytogenetic location: 6q13.
Variant type: single nucleotide variant.
Coding change: c.3511A>C on transcript NM_014989.7 (MANE Select); coding-DNA position 3511, A replaced by C.
Protein change: p.Ile1171Leu; replaces isoleucine 1171 with leucine.
Molecular consequence: missense variant. On other transcripts: intron variant (33).
Genome position (GRCh38, 1-based): chr6:72,284,075, A>C. VCF-style: chr6-72284075-A-C. GRCh37 (hg19) VCF-style: chr6-72993778-A-C.
Other names: c.1741A>C, p.Ile581Leu (NM_001350433.2); c.1732A>C, p.Ile578Leu (NM_001350434.2); c.1846A>C, p.Ile616Leu (NM_001350436.2); c.1654A>C, p.Ile552Leu (NM_001350438.2, NM_001168407.2, NM_001350422.2 and 1 more transcripts); c.1501A>C, p.Ile501Leu (NM_001350440.2, NM_001350447.2); c.1657A>C, p.Ile553Leu (NM_001350442.2, NM_001350446.2, NM_001350448.2 and 2 more transcripts); c.1738A>C, p.Ile580Leu (NM_001350445.2, NM_001350415.2); c.1414A>C, p.Ile472Leu (NM_001168409.2, NM_001350469.2); and 30 more; short protein forms I472L, I499L, I502L, I523L, I530L, I538L, I552L, I421L.
Identifiers: ClinVar variation 1498371 (VCV001498371.8), dbSNP rs2154220503, ClinGen allele CA364688583.
Genomic context (GRCh38, chr6:72,284,075, plus strand): 5'-ATATATTTTGTGTTTAACATTTCATTCCACAGGCACTCCAGAAAGTCTGAAAGATCTAGC[A>C]TCCAAAAACAGACTAGGAAAGGCACTGCCTCTGATGCAGAAAGGTAGGCTTGGTGTTGTG-3'
Protein context (NP_055804.2, residues 1161-1181): RHSRKSERSS[Ile1171Leu]QKQTRKGTAS